The following is an entry in ClinVar:

ClinVar aggregate classification (germline): Uncertain significance. Review status: criteria provided, multiple submitters, no conflicts (2 of 4 stars). 2 submissions from 2 submitters: Uncertain significance (2). Last evaluated 2025-10-23.

Conditions:
Developmental and epileptic encephalopathy, 1 (DEE1). Also called: X-linked infantile spasms; West's syndrome; Tonic spasms with clustering, arrest of psychomotor development and hypsarrhythmia on EEG; X-Linked Infantile Spasm Syndrome; OHTAHARA SYNDROME, X-LINKED; INFANTILE SPASM SYNDROME, X-LINKED 1. Identifiers: MedGen C3463992, MONDO:0010632, OMIM 308350. Disease mechanism: loss of function.
Autosomal recessive spinocerebellar ataxia 12. Also called: SPINOCEREBELLAR ATAXIA WITH MENTAL RETARDATION AND EPILEPSY. Identifiers: Orphanet 284282, MedGen C3280452, MONDO:0013687, OMIM 614322.
Inborn genetic diseases. Identifiers: MedGen C0950123, MeSH D030342.

Allele frequency attached by ClinVar (database versions not stated): gnomAD exomes below 0.00001.
gnomAD v4.1: 5 of 1,614,240 alleles (0.00031%); highest among the groups gnomAD compares: Admixed American, 0.0033%; no homozygotes.

Submissions (2):

Ambry Genetics
Classification: Uncertain significance for Inborn genetic diseases. Last evaluated: 2025-10-23. Review status: criteria provided, single submitter. Criteria: Ambry Variant Classification Scheme 2023. Collection method: clinical testing. Allele origin: germline.

Labcorp Genetics (formerly Invitae), Labcorp
Classification: Uncertain significance for Developmental and epileptic encephalopathy, 1; Autosomal recessive spinocerebellar ataxia 12. Last evaluated: 2024-02-26. Review status: criteria provided, single submitter. Criteria: Invitae Variant Classification Sherloc (09022015). Collection method: clinical testing. Allele origin: germline.
Comment: This sequence change replaces methionine, which is neutral and non-polar, with threonine, which is neutral and polar, at codon 383 of the WWOX protein (p.Met383Thr). This variant is present in population databases (no rsID available, gnomAD 0.003%). This variant has not been reported in the literature in individuals affected with WWOX-related conditions. ClinVar contains an entry for this variant (Variation ID: 1391640). Advanced modeling of protein sequence and biophysical properties (such as structural, functional, and spatial information, amino acid conservation, physicochemical variation, residue mobility, and thermodynamic stability) performed at Invitae indicates that this missense variant is not expected to disrupt WWOX protein function with a negative predictive value of 80%. In summary, the available evidence is currently insufficient to determine the role of this variant in disease. Therefore, it has been classified as a Variant of Uncertain Significance.

NM_016373.4(WWOX):c.1148T>C (p.Met383Thr)

Genes: MAF (MAF bZIP transcription factor; minus strand), WWOX (WW domain containing oxidoreductase; plus strand). Cytogenetic location: 16q23.2.
Variant type: single nucleotide variant.
Coding change: c.1148T>C on transcript NM_016373.4 (MANE Select); coding-DNA position 1148, T replaced by C.
Protein change: p.Met383Thr; replaces methionine 383 with threonine.
Molecular consequence: missense variant.
Genome position (GRCh38, 1-based): chr16:79,211,699, T>C. VCF-style: chr16-79211699-T-C. GRCh37 (hg19) VCF-style: chr16-79245596-T-C.
Other names: c.1148T>C (NM_016373.2); c.809T>C, p.Met270Thr (NM_001291997.2); short protein forms M383T, M270T.
Identifiers: ClinVar variation 1391640 (VCV001391640.5), dbSNP rs1567625134, ClinGen allele CA396537149.